The following is an entry in ClinVar:

NM_000217.3(KCNA1):c.1327C>T (p.Arg443Cys)

Gene: KCNA1 (potassium voltage-gated channel subfamily A member 1; plus strand). Cytogenetic location: 12p13.32.
Variant type: single nucleotide variant.
Coding change: c.1327C>T on transcript NM_000217.3 (MANE Select); coding-DNA position 1327, C replaced by T.
Protein change: p.Arg443Cys; replaces arginine 443 with cysteine.
Molecular consequence: missense variant.
Genome position (GRCh38, 1-based): chr12:4,912,705, C>T. VCF-style: chr12-4912705-C-T. GRCh37 (hg19) VCF-style: chr12-5021871-C-T.
Other names: short protein forms R443C.
Identifiers: ClinVar variation 1505840 (VCV001505840.6), dbSNP rs150849316, ClinGen allele CA383456536.
Genomic context (GRCh38, chr12:4,912,705, plus strand): 5'-GAGCAGGCTCAGTTGCTCCACGTCAGTTCCCCTAACTTAGCCTCTGACAGTGACCTCAGT[C>T]GCCGCAGTTCCTCTACTATGAGCAAGTCTGAGTACATGGAGATCGAAGAGGATATGAATA-3'
Protein context (NP_000208.2, residues 433-453): PNLASDSDLS[Arg443Cys]RSSSTMSKSE

ClinVar aggregate classification (germline): Uncertain significance (1 of 4 stars; one submission).

Conditions:
Episodic ataxia type 1 (EA1). Also called: PAROXYSMAL ATAXIA WITH NEUROMYOTONIA, HEREDITARY; ATAXIA, EPISODIC, WITH MYOKYMIA; Episodic ataxia/myokymia syndrome; MYOKYMIA WITH PERIODIC ATAXIA. Identifiers: Orphanet 37612, Orphanet 972, MedGen C1719788, MONDO:0008047, OMIM 160120.

Submission:

Labcorp Genetics (formerly Invitae), Labcorp
Classification: Uncertain significance for Episodic ataxia type 1. Last evaluated: 2021-09-22. Review status: criteria provided, single submitter. Criteria: Invitae Variant Classification Sherloc (09022015). Collection method: clinical testing. Allele origin: germline.
Comment: In summary, the available evidence is currently insufficient to determine the role of this variant in disease. Therefore, it has been classified as a Variant of Uncertain Significance. Advanced modeling of protein sequence and biophysical properties (such as structural, functional, and spatial information, amino acid conservation, physicochemical variation, residue mobility, and thermodynamic stability) performed at Invitae indicates that this missense variant is not expected to disrupt KCNA1 protein function. This variant has not been reported in the literature in individuals affected with KCNA1-related conditions. This variant is not present in population databases (ExAC no frequency). This sequence change replaces arginine with cysteine at codon 443 of the KCNA1 protein (p.Arg443Cys). The arginine residue is highly conserved and there is a large physicochemical difference between arginine and cysteine.